The following is an entry in ClinVar:

ClinVar aggregate classification (germline): Uncertain significance. Review status: criteria provided, multiple submitters, no conflicts (2 of 4 stars). 2 submissions from 2 submitters: Uncertain significance (2). Last evaluated 2024-11-18.

Conditions:
Nephronophthisis 14 (NPHP14). Identifiers: Orphanet 2318, MedGen C3539071, MONDO:0013916, OMIM 614844.

Allele frequency attached by ClinVar (database versions not stated): TOPMed 0.00001; ExAC 0.00005; gnomAD exomes 0.00009.
gnomAD v4.1: 23 of 1,614,076 alleles (0.0014%); highest among the groups gnomAD compares: Admixed American, 0.038%; no homozygotes.

Submissions (2):

Blueprint Genetics
Classification: Uncertain significance. Last evaluated: 2024-11-18. Review status: criteria provided, single submitter. Criteria: ACMG Guidelines, 2015. Collection method: clinical testing. Allele origin: germline.

Labcorp Genetics (formerly Invitae), Labcorp
Classification: Uncertain significance for Nephronophthisis 14. Last evaluated: 2022-09-19. Review status: criteria provided, single submitter. Criteria: Invitae Variant Classification Sherloc (09022015). Collection method: clinical testing. Allele origin: germline.
Comment: This sequence change replaces aspartic acid, which is acidic and polar, with tyrosine, which is neutral and polar, at codon 261 of the ZNF423 protein (p.Asp261Tyr). This variant is present in population databases (rs569889555, gnomAD 0.06%). This variant has not been reported in the literature in individuals affected with ZNF423-related conditions. ClinVar contains an entry for this variant (Variation ID: 641665). Advanced modeling of protein sequence and biophysical properties (such as structural, functional, and spatial information, amino acid conservation, physicochemical variation, residue mobility, and thermodynamic stability) performed at Invitae indicates that this missense variant is not expected to disrupt ZNF423 protein function. Algorithms developed to predict the effect of sequence changes on RNA splicing suggest that this variant may create or strengthen a splice site. In summary, the available evidence is currently insufficient to determine the role of this variant in disease. Therefore, it has been classified as a Variant of Uncertain Significance.

NM_001379286.1(ZNF423):c.805G>T (p.Asp269Tyr)

Gene: ZNF423 (zinc finger protein 423; minus strand). Cytogenetic location: 16q12.1.
Variant type: single nucleotide variant.
Coding change: c.805G>T on transcript NM_001379286.1 (MANE Select); coding-DNA position 805, G replaced by T.
Protein change: p.Asp269Tyr; replaces aspartic acid 269 with tyrosine.
Molecular consequence: missense variant.
Genome position (GRCh38, 1-based): chr16:49,638,371, C>A on the plus strand (G>T on the coding strand, the complement: ZNF423 is on the minus strand). VCF-style: chr16-49638371-C-A. GRCh37 (hg19) VCF-style: chr16-49672282-C-A.
Other names: c.601G>T, p.Asp201Tyr (NM_001271620.2); c.430G>T, p.Asp144Tyr (NM_001330533.2); c.781G>T, p.Asp261Tyr (NM_015069.5); short protein forms D261Y, D144Y, D201Y, D269Y.
Identifiers: ClinVar variation 641665 (VCV000641665.7), dbSNP rs569889555, ClinGen allele CA8046819.
Genomic context (GRCh38, chr16:49,638,371, plus strand): 5'-GCTTCTCCAGCTCCTCCGTCTGGCTGAAGGTGTCCTCGCAGTAGTCGCACATGAAGTCGT[C>A]CTTCTTGGCTTCCTTCTCCGACTTGGCCAGATGCTCCTTGTTCTTTTTGTGGGCCTGCAT-3'
Protein context (NP_001366215.1, residues 259-279): LAKSEKEAKK[Asp269Tyr]DFMCDYCEDT